The following is an entry in ClinVar:

NM_020693.4(DSCAML1):c.5900C>A (p.Ala1967Asp)

Gene: DSCAML1 (DS cell adhesion molecule like 1; minus strand). Cytogenetic location: 11q23.3.
Variant type: single nucleotide variant.
Coding change: c.5900C>A on transcript NM_020693.4 (MANE Select); coding-DNA position 5900, C replaced by A.
Protein change: p.Ala1967Asp; replaces alanine 1967 with aspartic acid.
Molecular consequence: missense variant.
Genome position (GRCh38, 1-based): chr11:117,428,590, G>T on the plus strand (C>A on the coding strand, the complement: DSCAML1 is on the minus strand). VCF-style: chr11-117428590-G-T. GRCh37 (hg19) VCF-style: chr11-117299306-G-T.
Other names: c.6080C>A (NM_020693.2); short protein forms A1967D.
Identifiers: ClinVar variation 2191000 (VCV002191000.5), dbSNP rs954870089, ClinGen allele CA229391932.

ClinVar aggregate classification (germline): Uncertain significance. Review status: criteria provided, multiple submitters, no conflicts (2 of 4 stars). 2 submissions from 2 submitters: Uncertain significance (2). Last evaluated 2024-12-24.

Allele frequency attached by ClinVar (database versions not stated): gnomAD exomes 0.00001; gnomAD 0.00006; TOPMed 0.00009; 1000 Genomes Project 30x 0.00016.
gnomAD v4.1: 16 of 1,596,652 alleles (0.001%); highest among the groups gnomAD compares: Admixed American, 0.023%; no homozygotes.

Submissions (2):

Labcorp Genetics (formerly Invitae), Labcorp
Classification: Uncertain significance. Last evaluated: 2024-12-24. Review status: criteria provided, single submitter. Criteria: Invitae Variant Classification Sherloc (09022015). Collection method: clinical testing. Allele origin: germline.
Comment: This sequence change replaces alanine, which is neutral and non-polar, with aspartic acid, which is acidic and polar, at codon 2027 of the DSCAML1 protein (p.Ala2027Asp). The frequency data for this variant in the population databases is considered unreliable, as metrics indicate poor data quality at this position in the gnomAD database. This variant has not been reported in the literature in individuals affected with DSCAML1-related conditions. ClinVar contains an entry for this variant (Variation ID: 2191000). An algorithm developed to predict the effect of missense changes on protein structure and function (PolyPhen-2) suggests that this variant is likely to be tolerated. In summary, the available evidence is currently insufficient to determine the role of this variant in disease. Therefore, it has been classified as a Variant of Uncertain Significance.

Ambry Genetics
Classification: Uncertain significance. Last evaluated: 2023-11-22. Review status: criteria provided, single submitter. Criteria: Ambry Variant Classification Scheme 2023. Collection method: clinical testing. Allele origin: germline.